The following is an entry in ClinVar:

NM_001042492.3(NF1):c.7180C>G (p.Leu2394Val)

Gene: NF1 (neurofibromin 1; plus strand). Cytogenetic location: 17q11.2.
Variant type: single nucleotide variant.
Coding change: c.7180C>G on transcript NM_001042492.3 (MANE Select); coding-DNA position 7180, C replaced by G.
Protein change: p.Leu2394Val; replaces leucine 2394 with valine.
Molecular consequence: missense variant.
Genome position (GRCh38, 1-based): chr17:31,343,126, C>G. VCF-style: chr17-31343126-C-G. GRCh37 (hg19) VCF-style: chr17-29670144-C-G.
Other names: c.7117C>G, p.Leu2373Val (NM_000267.4); short protein forms L2373V, L2394V.
Identifiers: ClinVar variation 565569 (VCV000565569.6), dbSNP rs1555535452, ClinGen allele CA399015771.
Genomic context (GRCh38, chr17:31,343,126, plus strand): 5'-ATGGATCATTTTGTTGGACTCAATTTCAACTCTAACTTTAACTTTGCATTGGTTGGACAC[C>G]TTTTAAAAGGTAAAAAAGCCTTATTTAGAATATTTTTATGAAGTACTATTAAGAAACCAG-3'
Protein context (NP_001035957.1, residues 2384-2404): SNFNFALVGH[Leu2394Val]LKGYRHPSPA

ClinVar aggregate classification (germline): Uncertain significance. Review status: criteria provided, multiple submitters, no conflicts (2 of 4 stars). 2 submissions from 2 submitters: Uncertain significance (2). Last evaluated 2025-02-13.

Conditions:
Hereditary cancer-predisposing syndrome. Also called: Neoplastic Syndromes, Hereditary; Tumor predisposition; Hereditary Cancer Syndrome; Hereditary neoplastic syndrome. Identifiers: Orphanet 140162, MedGen C0027672, MeSH D009386, MONDO:0015356.
Cardiovascular phenotype. Identifiers: MedGen CN230736.
Neurofibromatosis, type 1 (NF1). Also called: VON RECKLINGHAUSEN DISEASE; NEUROFIBROMATOSIS, TYPE I, SOMATIC; Peripheral type neurofibromatosis; Neurofibromatosis, type I. Identifiers: Orphanet 636, MedGen C0027831, MONDO:0018975, OMIM 162200. Disease mechanism: loss of function.

Submissions (2):

Ambry Genetics
Classification: Uncertain significance for Cardiovascular phenotype; Hereditary cancer-predisposing syndrome. Last evaluated: 2025-02-13. Review status: criteria provided, single submitter. Criteria: Ambry Variant Classification Scheme 2023. Collection method: clinical testing. Allele origin: germline.
Comment: The p.L2373V variant (also known as c.7117C>G), located in coding exon 47 of the NF1 gene, results from a C to G substitution at nucleotide position 7117. The leucine at codon 2373 is replaced by valine, an amino acid with highly similar properties. This amino acid position is conserved. In addition, the in silico prediction for this alteration is inconclusive. Based on the available evidence, the clinical significance of this variant remains unclear.

Labcorp Genetics (formerly Invitae), Labcorp
Classification: Uncertain significance for Neurofibromatosis, type 1. Last evaluated: 2022-02-18. Review status: criteria provided, single submitter. Criteria: Invitae Variant Classification Sherloc (09022015). Collection method: clinical testing. Allele origin: germline.
Comment: In summary, the available evidence is currently insufficient to determine the role of this variant in disease. Therefore, it has been classified as a Variant of Uncertain Significance. Advanced modeling of protein sequence and biophysical properties (such as structural, functional, and spatial information, amino acid conservation, physicochemical variation, residue mobility, and thermodynamic stability) performed at Invitae indicates that this missense variant is not expected to disrupt NF1 protein function. ClinVar contains an entry for this variant (Variation ID: 565569). This variant has not been reported in the literature in individuals affected with NF1-related conditions. This variant is not present in population databases (gnomAD no frequency). This sequence change replaces leucine, which is neutral and non-polar, with valine, which is neutral and non-polar, at codon 2373 of the NF1 protein (p.Leu2373Val).